The following is an entry in ClinVar:

NM_032578.4(MYPN):c.2534C>T (p.Ala845Val)

Gene: MYPN (myopalladin; plus strand). Cytogenetic location: 10q21.3.
Variant type: single nucleotide variant.
Coding change: c.2534C>T on transcript NM_032578.4 (MANE Select); coding-DNA position 2534, C replaced by T.
Protein change: p.Ala845Val; replaces alanine 845 with valine.
Molecular consequence: missense variant. On other transcripts: non-coding transcript variant (2).
Genome position (GRCh38, 1-based): chr10:68,174,626, C>T. VCF-style: chr10-68174626-C-T. GRCh37 (hg19) VCF-style: chr10-69934383-C-T.
Other names: c.2534C>T, p.Ala845Val (NM_001256267.2); c.1652C>T, p.Ala551Val (NM_001256268.2); short protein forms A551V, A845V.
Identifiers: ClinVar variation 2563973 (VCV002563973.2), dbSNP rs778786073, ClinGen allele CA5522798.

ClinVar aggregate classification (germline): Uncertain significance (1 of 4 stars; one submission).

Conditions:
Cardiovascular phenotype. Identifiers: MedGen CN230736.

Allele frequency attached by ClinVar (database versions not stated): ExAC 0.00001.
gnomAD v4.1: 2 of 1,614,116 alleles (0.00012%); highest among the groups gnomAD compares: Non-Finnish European, 0.00017%; no homozygotes.

Submission:

Ambry Genetics
Classification: Uncertain significance for Cardiovascular phenotype. Last evaluated: 2023-04-18. Review status: criteria provided, single submitter. Criteria: Ambry Variant Classification Scheme 2023. Collection method: clinical testing. Allele origin: germline.
Comment: The p.A845V variant (also known as c.2534C>T), located in coding exon 10 of the MYPN gene, results from a C to T substitution at nucleotide position 2534. The alanine at codon 845 is replaced by valine, an amino acid with similar properties. This amino acid position is conserved. In addition, this alteration is predicted to be tolerated by in silico analysis. Since supporting evidence is limited at this time, the clinical significance of this alteration remains unclear.